The following is an entry in ClinVar:

NM_006231.4(POLE):c.5263G>C (p.Gly1755Arg)

Gene: POLE (DNA polymerase epsilon, catalytic subunit; minus strand). Cytogenetic location: 12q24.33.
Variant type: single nucleotide variant.
Coding change: c.5263G>C on transcript NM_006231.4 (MANE Select); coding-DNA position 5263, G replaced by C.
Protein change: p.Gly1755Arg; replaces glycine 1755 with arginine.
Molecular consequence: missense variant.
Genome position (GRCh38, 1-based): chr12:132,641,762, C>G on the plus strand (G>C on the coding strand, the complement: POLE is on the minus strand). VCF-style: chr12-132641762-C-G. GRCh37 (hg19) VCF-style: chr12-133218348-C-G.
Other names: short protein forms G1755R.
Identifiers: ClinVar variation 952802 (VCV000952802.9), dbSNP rs1171272614, ClinGen allele CA387376261.
Genomic context (GRCh38, chr12:132,641,762, plus strand): 5'-CCTGACCACCCGTGATCATGTCCTCCAGGGAGGCCTGCTGGATCACGTCGAAGCTGATCC[C>G]CATGCTGTCGGCCCCCTCCATGTCGTTGACATGGTGAGACTGGAGAATGGTGTTGACGGC-3'
Protein context (NP_006222.2, residues 1745-1765): VNDMEGADSM[Gly1755Arg]ISFDVIQQAS

ClinVar aggregate classification (germline): Uncertain significance (1 of 4 stars; one submission).

Submission:

Labcorp Genetics (formerly Invitae), Labcorp
Classification: Uncertain significance. Last evaluated: 2025-04-22. Review status: criteria provided, single submitter. Criteria: Invitae Variant Classification Sherloc (09022015). Collection method: clinical testing. Allele origin: germline.
Comment: This sequence change replaces glycine, which is neutral and non-polar, with arginine, which is basic and polar, at codon 1755 of the POLE protein (p.Gly1755Arg). This variant is not present in population databases (gnomAD no frequency). This variant has not been reported in the literature in individuals affected with POLE-related conditions. ClinVar contains an entry for this variant (Variation ID: 952802). Invitae Evidence Modeling of protein sequence and biophysical properties (such as structural, functional, and spatial information, amino acid conservation, physicochemical variation, residue mobility, and thermodynamic stability) indicates that this missense variant is not expected to disrupt POLE protein function with a negative predictive value of 80%. In summary, the available evidence is currently insufficient to determine the role of this variant in disease. Therefore, it has been classified as a Variant of Uncertain Significance.